The following is an entry in ClinVar:

NM_015046.7(SETX):c.5431G>A (p.Val1811Met)

Gene: SETX (senataxin; minus strand). Cytogenetic location: 9q34.13.
Variant type: single nucleotide variant.
Coding change: c.5431G>A on transcript NM_015046.7 (MANE Select); coding-DNA position 5431, G replaced by A.
Protein change: p.Val1811Met; replaces valine 1811 with methionine.
Molecular consequence: missense variant.
Genome position (GRCh38, 1-based): chr9:132,300,747, C>T on the plus strand (G>A on the coding strand, the complement: SETX is on the minus strand). VCF-style: chr9-132300747-C-T. GRCh37 (hg19) VCF-style: chr9-135176134-C-T.
Other names: c.5431G>A, p.Val1811Met (NM_001351527.2, NM_001351528.2); short protein forms V1811M.
Identifiers: ClinVar variation 639608 (VCV000639608.9), dbSNP rs947336270, ClinGen allele CA200821959.

ClinVar aggregate classification (germline): Uncertain significance (1 of 4 stars; one submission).

Conditions:
Amyotrophic lateral sclerosis type 4 (ALS4). Also called: NEURONOPATHY, DISTAL HEREDITARY MOTOR, WITH PYRAMIDAL FEATURES; AMYOTROPHIC LATERAL SCLEROSIS 4, JUVENILE. Identifiers: Orphanet 357043, MedGen C1865409, MONDO:0011223, OMIM 602433.
Spinocerebellar ataxia, autosomal recessive, with axonal neuropathy 2 (SCAN2). Also called: ATAXIA-OCULOMOTOR APRAXIA 2; Ataxia-ocular apraxia-2; Ataxia with Oculomotor Apraxia Type 2; Ataxia with Oculomotor Apraxia. Identifiers: Orphanet 64753, MedGen C1853761, MONDO:0018996, OMIM 606002.

Allele frequency attached by ClinVar (database versions not stated): gnomAD exomes below 0.00001; TOPMed below 0.00001; gnomAD 0.00001.
gnomAD v4.1: 2 of 1,613,464 alleles (0.00012%); highest among the groups gnomAD compares: Non-Finnish European, 0.00017%; no homozygotes.

Submission:

Labcorp Genetics (formerly Invitae), Labcorp
Classification: Uncertain significance for Amyotrophic lateral sclerosis type 4; Spinocerebellar ataxia, autosomal recessive, with axonal neuropathy 2. Last evaluated: 2018-09-11. Review status: criteria provided, single submitter. Criteria: Invitae Variant Classification Sherloc (09022015). Collection method: clinical testing. Allele origin: germline.
Comment: In summary, the available evidence is currently insufficient to determine the role of this variant in disease. Therefore, it has been classified as a Variant of Uncertain Significance. Algorithms developed to predict the effect of missense changes on protein structure and function are either unavailable or do not agree on the potential impact of this missense change (SIFT: "Deleterious"; PolyPhen-2: "Probably Damaging"; Align-GVGD: "Class C0"). This variant has not been reported in the literature in individuals with SETX-related disease. This variant is not present in population databases (ExAC no frequency). This sequence change replaces valine with methionine at codon 1811 of the SETX protein (p.Val1811Met). The valine residue is moderately conserved and there is a small physicochemical difference between valine and methionine.